The following is an entry in ClinVar:

NM_000038.6(APC):c.5426A>G (p.Lys1809Arg)

Gene: APC (APC regulator of Wnt signaling pathway; plus strand). Cytogenetic location: 5q22.2.
Variant type: single nucleotide variant.
Coding change: c.5426A>G on transcript NM_000038.6 (MANE Select); coding-DNA position 5426, A replaced by G.
Protein change: p.Lys1809Arg; replaces lysine 1809 with arginine.
Molecular consequence: missense variant.
Genome position (GRCh38, 1-based): chr5:112,841,020, A>G. VCF-style: chr5-112841020-A-G. GRCh37 (hg19) VCF-style: chr5-112176717-A-G.
Other names: c.5426A>G, p.Lys1809Arg (NM_001127510.3, NM_001354895.2); c.5372A>G, p.Lys1791Arg (NM_001127511.3); c.5480A>G, p.Lys1827Arg (NM_001354896.2); c.5456A>G, p.Lys1819Arg (NM_001354897.2); c.5351A>G, p.Lys1784Arg (NM_001354898.2); c.5342A>G, p.Lys1781Arg (NM_001354899.2); c.5303A>G, p.Lys1768Arg (NM_001354900.2); c.5249A>G, p.Lys1750Arg (NM_001354901.2); and 5 more; short protein forms K1718R, K1526R, K1649R, K1784R, K1683R, K1750R, K1768R, K1819R.
Identifiers: ClinVar variation 411424 (VCV000411424.16), dbSNP rs1060503297, ClinGen allele CA16033193.

ClinVar aggregate classification (germline): Uncertain significance. Review status: criteria provided, multiple submitters, no conflicts (2 of 4 stars). 3 submissions from 3 submitters: Uncertain significance (3). Last evaluated 2024-05-31.

Conditions:
Familial adenomatous polyposis 1 (FAP1). Also called: FAMILIAL ADENOMATOUS POLYPOSIS 1, ATTENUATED; POLYPOSIS, ADENOMATOUS INTESTINAL. Identifiers: MedGen C2713442, MONDO:0021056, OMIM 175100. Disease mechanism: loss of function.
Hereditary cancer-predisposing syndrome. Also called: Tumor predisposition; Hereditary Cancer Syndrome; Hereditary neoplastic syndrome; Neoplastic Syndromes, Hereditary. Identifiers: Orphanet 140162, MedGen C0027672, MeSH D009386, MONDO:0015356.

Allele frequency attached by ClinVar (database versions not stated): TOPMed below 0.00001.

Submissions (3):

Labcorp Genetics (formerly Invitae), Labcorp
Classification: Uncertain significance for Familial adenomatous polyposis 1. Last evaluated: 2024-05-31. Review status: criteria provided, single submitter. Criteria: Invitae Variant Classification Sherloc (09022015). Collection method: clinical testing. Allele origin: germline.
Comment: This sequence change replaces lysine, which is basic and polar, with arginine, which is basic and polar, at codon 1809 of the APC protein (p.Lys1809Arg). This variant is not present in population databases (gnomAD no frequency). This variant has not been reported in the literature in individuals affected with APC-related conditions. ClinVar contains an entry for this variant (Variation ID: 411424). Advanced modeling of protein sequence and biophysical properties (such as structural, functional, and spatial information, amino acid conservation, physicochemical variation, residue mobility, and thermodynamic stability) performed at Invitae indicates that this missense variant is not expected to disrupt APC protein function with a negative predictive value of 95%. In summary, the available evidence is currently insufficient to determine the role of this variant in disease. Therefore, it has been classified as a Variant of Uncertain Significance.

Color Diagnostics, LLC DBA Color Health
Classification: Uncertain significance for Hereditary cancer-predisposing syndrome. Last evaluated: 2024-03-06. Review status: criteria provided, single submitter. Criteria: ACMG Guidelines, 2015. Collection method: clinical testing. Allele origin: germline.
Comment: This missense variant replaces lysine with arginine at codon 1809 of the APC protein. Computational prediction suggests that this variant may not impact protein structure and function (internally defined REVEL score threshold <= 0.5, PMID: 27666373). To our knowledge, functional studies have not been reported for this variant. This variant has not been reported in individuals affected with hereditary cancer in the literature. This variant has not been identified in the general population by the Genome Aggregation Database (gnomAD). The available evidence is insufficient to determine the role of this variant in disease conclusively. Therefore, this variant is classified as a Variant of Uncertain Significance.

Ambry Genetics
Classification: Uncertain significance for Hereditary cancer-predisposing syndrome. Last evaluated: 2023-12-05. Review status: criteria provided, single submitter. Criteria: Ambry Variant Classification Scheme 2023. Collection method: clinical testing. Allele origin: germline.
Comment: The p.K1809R variant (also known as c.5426A>G), located in coding exon 15 of the APC gene, results from an A to G substitution at nucleotide position 5426. The lysine at codon 1809 is replaced by arginine, an amino acid with highly similar properties. This amino acid position is conserved. In addition, in silico predictors for this gene do not accurately predict pathogenicity. Since supporting evidence is limited at this time, the clinical significance of this alteration remains unclear.